The following is an entry in ClinVar:

ClinVar aggregate classification (germline): Likely benign (1 of 4 stars; one submission).

Allele frequency attached by ClinVar (database versions not stated): ExAC 0.00002; TOPMed 0.00003; gnomAD 0.00005.
gnomAD v4.1: 70 of 1,613,962 alleles (0.0043%); highest among the groups gnomAD compares: Middle Eastern, 0.033%; no homozygotes.

Submission:

CeGaT Center for Human Genetics Tuebingen
Classification: Likely benign. Last evaluated: 2022-11-01. Review status: criteria provided, single submitter. Criteria: CeGaT Center For Human Genetics Tuebingen Variant Classification Criteria Version 2. Collection method: clinical testing. Allele origin: germline. Affected: yes. Observed: 1 variant allele.
Comment: RPS6KB2: BP4, BP7

NM_003952.3(RPS6KB2):c.510G>A (p.Thr170=)

Gene: RPS6KB2 (ribosomal protein S6 kinase B2; plus strand). Cytogenetic location: 11q13.2.
Variant type: single nucleotide variant.
Coding change: c.510G>A on transcript NM_003952.3 (MANE Select); coding-DNA position 510, G replaced by A.
Protein change: p.Thr170=; no amino-acid change (threonine 170 retained).
Molecular consequence: synonymous variant.
Genome position (GRCh38, 1-based): chr11:67,432,652, G>A. VCF-style: chr11-67432652-G-A. GRCh37 (hg19) VCF-style: chr11-67200123-G-A.
Identifiers: ClinVar variation 2642017 (VCV002642017.24), dbSNP rs747002954, ClinGen allele CA6138335.